The following is an entry in ClinVar:

NM_000937.5(POLR2A):c.4549A>G (p.Met1517Val)

Gene: POLR2A (RNA polymerase II subunit A; plus strand). Cytogenetic location: 17p13.1.
Variant type: single nucleotide variant.
Coding change: c.4549A>G on transcript NM_000937.5 (MANE Select); coding-DNA position 4549, A replaced by G.
Protein change: p.Met1517Val; replaces methionine 1517 with valine.
Molecular consequence: missense variant.
Genome position (GRCh38, 1-based): chr17:7,512,533, A>G. VCF-style: chr17-7512533-A-G. GRCh37 (hg19) VCF-style: chr17-7415852-A-G.
Other names: short protein forms M1517V.
Identifiers: ClinVar variation 2634925 (VCV002634925.1), dbSNP rs2150890285, ClinGen allele CA397829276.

ClinVar aggregate classification (germline): Uncertain significance (1 of 4 stars; one submission).

Conditions:
POLR2A-related disorder. Also called: POLR2A-related condition.

Allele frequency attached by ClinVar (database versions not stated): gnomAD exomes 0.00001.

Submission:

PreventionGenetics, part of Exact Sciences
Classification: Uncertain significance for POLR2A-related condition. Last evaluated: 2022-10-13. Review status: criteria provided, single submitter. Criteria: ACMG Guidelines, 2015. Collection method: clinical testing. Allele origin: germline.
Comment: The POLR2A c.4549A>G variant is predicted to result in the amino acid substitution p.Met1517Val. To our knowledge, this variant has not been reported in the literature or in a large population database, indicating this variant is rare. At this time, the clinical significance of this variant is uncertain due to the absence of conclusive functional and genetic evidence.